The following is an entry in ClinVar:

NM_005732.4(RAD50):c.1351A>C (p.Ser451Arg)

Gene: RAD50 (RAD50 double strand break repair protein; plus strand). Cytogenetic location: 5q31.1.
Variant type: single nucleotide variant.
Coding change: c.1351A>C on transcript NM_005732.4 (MANE Select); coding-DNA position 1351, A replaced by C.
Protein change: p.Ser451Arg; replaces serine 451 with arginine.
Molecular consequence: missense variant.
Genome position (GRCh38, 1-based): chr5:132,589,736, A>C. VCF-style: chr5-132589736-A-C. GRCh37 (hg19) VCF-style: chr5-131925428-A-C.
Other names: short protein forms S451R.
Identifiers: ClinVar variation 480469 (VCV000480469.5), dbSNP rs1554098321, ClinGen allele CA360944241.
Genomic context (GRCh38, chr5:132,589,736, plus strand): 5'-GAGATAAGAGATAAGAAAACTGGACTGGGAAGAATAATTGAGTTAAAATCAGAAATCCTA[A>C]GTAAGAAGCAGAATGAGCTGAAAAATGTGAAGTATGAATTACAGCAGTTGGAAGGATCTT-3'
Protein context (NP_005723.2, residues 441-461): RIIELKSEIL[Ser451Arg]KKQNELKNVK

ClinVar aggregate classification (germline): Uncertain significance (1 of 4 stars; one submission).

Conditions:
Hereditary cancer-predisposing syndrome. Also called: Hereditary Cancer Syndrome; Neoplastic Syndromes, Hereditary; Tumor predisposition; Hereditary neoplastic syndrome. Identifiers: Orphanet 140162, MedGen C0027672, MeSH D009386, MONDO:0015356.

Allele frequency attached by ClinVar (database versions not stated): gnomAD exomes 0.00001.
gnomAD v4.1: 3 of 1,613,422 alleles (0.00019%); highest among the groups gnomAD compares: Non-Finnish European, 0.00025%; no homozygotes.

Submission:

Ambry Genetics
Classification: Uncertain significance for Hereditary cancer-predisposing syndrome. Last evaluated: 2017-01-13. Review status: criteria provided, single submitter. Criteria: Ambry Variant Classification Scheme 2023. Collection method: clinical testing. Allele origin: germline.
Comment: The p.S451R variant (also known as c.1351A>C), located in coding exon 9 of the RAD50 gene, results from an A to C substitution at nucleotide position 1351. The serine at codon 451 is replaced by arginine, an amino acid with dissimilar properties. This amino acid position is poorly conserved in available vertebrate species. In addition, this alteration is predicted to be tolerated by in silico analysis. Since supporting evidence is limited at this time, the clinical significance of this alteration remains unclear.